The following is an entry in ClinVar:

NM_006947.4(SRP72):c.493G>A (p.Val165Ile)

Gene: SRP72 (signal recognition particle 72; plus strand). Cytogenetic location: 4q12.
Variant type: single nucleotide variant.
Coding change: c.493G>A on transcript NM_006947.4 (MANE Select); coding-DNA position 493, G replaced by A.
Protein change: p.Val165Ile; replaces valine 165 with isoleucine.
Molecular consequence: missense variant. On other transcripts: non-coding transcript variant (1).
Genome position (GRCh38, 1-based): chr4:56,474,192, G>A. VCF-style: chr4-56474192-G-A. GRCh37 (hg19) VCF-style: chr4-57340358-G-A.
Other names: c.493G>A, p.Val165Ile (NM_001267722.2); short protein forms V165I.
Identifiers: ClinVar variation 3449436 (VCV003449436.1).
Genomic context (GRCh38, chr4:56,474,192, plus strand): 5'-GAGGAGAGGAAAACAAACCTTTCAGCAGTTGTTGCAGCTCAAAGCAATTGGGAAAAAGTG[G>A]TTCCAGTGAGTATCCTTGTGGTGTACCCATACAGTCATGAATTATTATTCATATTTAGTA-3'
Protein context (NP_008878.3, residues 155-175): VAAQSNWEKV[Val165Ile]PENLGLQEGT

ClinVar aggregate classification (germline): Uncertain significance (1 of 4 stars; one submission).

Submission:

Ambry Genetics
Classification: Uncertain significance. Last evaluated: 2024-12-08. Review status: criteria provided, single submitter. Criteria: Ambry Variant Classification Scheme 2023. Collection method: clinical testing. Allele origin: germline.
Comment: The p.V165I variant (also known as c.493G>A), located in coding exon 4 of the SRP72 gene, results from a G to A substitution at nucleotide position 493. The valine at codon 165 is replaced by isoleucine, an amino acid with highly similar properties. This amino acid position is conserved. In addition, this alteration is predicted to be tolerated by in silico analysis. Based on the available evidence, the clinical significance of this variant remains unclear.